The following is an entry in ClinVar:

ClinVar aggregate classification (germline): Uncertain significance (1 of 4 stars; one submission).

Conditions:
Combined immunodeficiency due to ZAP70 deficiency (IMD48). Also called: Immunodeficiency 48; ZAP70 Deficiency. Identifiers: Orphanet 911, MedGen C2931299, MONDO:0010023, OMIM 269840.

Allele frequency attached by ClinVar (database versions not stated): TOPMed 0.00006; ExAC 0.00007; ESP Exome Variant Server 0.00008.
gnomAD v4.1: 65 of 1,613,392 alleles (0.004%); highest among the groups gnomAD compares: Admixed American, 0.018%; no homozygotes.

Submission:

Labcorp Genetics (formerly Invitae), Labcorp
Classification: Uncertain significance for Combined immunodeficiency due to ZAP70 deficiency. Last evaluated: 2022-04-20. Review status: criteria provided, single submitter. Criteria: Invitae Variant Classification Sherloc (09022015). Collection method: clinical testing. Allele origin: germline.
Comment: This sequence change replaces aspartic acid, which is acidic and polar, with asparagine, which is neutral and polar, at codon 585 of the ZAP70 protein (p.Asp585Asn). This variant is present in population databases (rs200648080, gnomAD 0.04%). This variant has not been reported in the literature in individuals affected with ZAP70-related conditions. ClinVar contains an entry for this variant (Variation ID: 642248). Algorithms developed to predict the effect of missense changes on protein structure and function output the following: SIFT: "Not Available"; PolyPhen-2: "Benign"; Align-GVGD: "Not Available". The asparagine amino acid residue is found in multiple mammalian species, which suggests that this missense change does not adversely affect protein function. In summary, the available evidence is currently insufficient to determine the role of this variant in disease. Therefore, it has been classified as a Variant of Uncertain Significance.

NM_001079.4(ZAP70):c.1753G>A (p.Asp585Asn)

Gene: ZAP70 (zeta chain of T cell receptor associated protein kinase 70; plus strand). Cytogenetic location: 2q11.2.
Variant type: single nucleotide variant.
Coding change: c.1753G>A on transcript NM_001079.4 (MANE Select); coding-DNA position 1753, G replaced by A.
Protein change: p.Asp585Asn; replaces aspartic acid 585 with asparagine.
Molecular consequence: missense variant.
Genome position (GRCh38, 1-based): chr2:97,739,391, G>A. VCF-style: chr2-97739391-G-A. GRCh37 (hg19) VCF-style: chr2-98355854-G-A.
Other names: c.1753G>A, p.Asp585Asn (NM_001378594.1); c.832G>A, p.Asp278Asn (NM_207519.2); short protein forms D278N, D585N.
Identifiers: ClinVar variation 642248 (VCV000642248.6), dbSNP rs200648080, ClinGen allele CA1790570.